The following is an entry in ClinVar:

ClinVar aggregate classification (germline): Uncertain significance (1 of 4 stars; one submission).

Conditions:
Nemaline myopathy 8 (NEM8). Also called: Nemaline myopathy 8, autosomal recessive. Identifiers: Orphanet 171430, MedGen C3809209, MONDO:0014138, OMIM 615348.

Allele frequency attached by ClinVar (database versions not stated): gnomAD exomes below 0.00001.
gnomAD v4.1: 2 of 1,614,176 alleles (0.00012%); highest among the groups gnomAD compares: Non-Finnish European, 0.00017%; no homozygotes.

Submission:

Labcorp Genetics (formerly Invitae), Labcorp
Classification: Uncertain significance for Nemaline myopathy 8. Last evaluated: 2021-07-31. Review status: criteria provided, single submitter. Criteria: Invitae Variant Classification Sherloc (09022015). Collection method: clinical testing. Allele origin: germline.
Comment: In summary, the available evidence is currently insufficient to determine the role of this variant in disease. Therefore, it has been classified as a Variant of Uncertain Significance. Algorithms developed to predict the effect of sequence changes on RNA splicing suggest that this variant may create or strengthen a splice site. Algorithms developed to predict the effect of missense changes on protein structure and function are either unavailable or do not agree on the potential impact of this missense change (SIFT: "Tolerated"; PolyPhen-2: "Probably Damaging"; Align-GVGD: "Class C0"). This sequence change replaces glycine with serine at codon 510 of the KLHL40 protein (p.Gly510Ser). The glycine residue is moderately conserved and there is a small physicochemical difference between glycine and serine. This variant is not present in population databases (ExAC no frequency). This variant has not been reported in the literature in individuals affected with KLHL40-related conditions.

NM_152393.4(KLHL40):c.1528G>A (p.Gly510Ser)

Gene: KLHL40 (kelch like family member 40; plus strand). Cytogenetic location: 3p22.1.
Variant type: single nucleotide variant.
Coding change: c.1528G>A on transcript NM_152393.4 (MANE Select); coding-DNA position 1528, G replaced by A.
Protein change: p.Gly510Ser; replaces glycine 510 with serine.
Molecular consequence: missense variant.
Genome position (GRCh38, 1-based): chr3:42,688,975, G>A. VCF-style: chr3-42688975-G-A. GRCh37 (hg19) VCF-style: chr3-42730467-G-A.
Other names: short protein forms G510S.
Identifiers: ClinVar variation 1417906 (VCV001417906.6), dbSNP rs2125845594, ClinGen allele CA352294784.
Genomic context (GRCh38, chr3:42,688,975, plus strand): 5'-TGGAAGGAGCTGGCACCCATGCAGACCGCCCGCTCACTCTTTGGGGCCACTGTCCATGAT[G>A]GCCGCATTATCGTGGCAGCTGGGGTCACCGACACAGGGCTGACCAGTTCTGCCGAAGTGT-3'
Protein context (NP_689606.2, residues 500-520): RSLFGATVHD[Gly510Ser]RIIVAAGVTD